The following is an entry in ClinVar:

ClinVar aggregate classification (germline): Conflicting classifications of pathogenicity. Review status: criteria provided, conflicting classifications (1 of 4 stars). 2 submissions from 2 submitters: Uncertain significance (1); Benign (1). Last evaluated 2025-07-21.

Conditions:
Intellectual developmental disorder, autosomal dominant 6, with or without seizures. Also called: Intellectual disability, autosomal dominant 6; GRIN2B-related developmental delay, intellectual disability and autism spectrum disorder. Identifiers: Orphanet 589547, MedGen C3151411, MONDO:0013509, OMIM 613970.
Developmental and epileptic encephalopathy, 27 (DEE27). Also called: Epileptic encephalopathy, early infantile, 27; GRIN2B-Related Neurodevelopmental Disorder. Identifiers: Orphanet 3451, MedGen C4015316, MONDO:0014505, OMIM 616139.

Allele frequency attached by ClinVar (database versions not stated): TOPMed 0.00002.

Submissions (2):

Labcorp Genetics (formerly Invitae), Labcorp
Classification: Benign for Developmental and epileptic encephalopathy, 27; Intellectual developmental disorder, autosomal dominant 6, with or without seizures. Last evaluated: 2025-07-21. Review status: criteria provided, single submitter. Criteria: Invitae Variant Classification Sherloc (09022015). Collection method: clinical testing. Allele origin: germline.

GeneDx
Classification: Uncertain significance. Last evaluated: 2015-12-14. Review status: criteria provided, single submitter. Criteria: GeneDx Variant Classification (06012015). Collection method: clinical testing. Allele origin: germline. Affected: yes.
Comment: The R1138L variant has not beenpublished as a pathogenic variant, nor has it been reported as a benign variant to our knowledge. It was not observedin approximately 6,500 individuals of European and African American ancestry in the NHLBI Exome SequencingProject, indicating it is not a common benign variant in these populations. The R1138L variant is a non-conservativeamino acid substitution, which is likely to impact secondary protein structure as these residues differ in polarity,charge, size and/or other properties. This substitution occurs at a position that is conserved across species. In silicoanalysis is inconsistent in its predictions as to whether or not the variant is damaging to the proteinstructure/function. Based on the currently available information, it is unclear whether this variant is a pathogenicvariant or a rare benign variant.

NM_000834.5(GRIN2B):c.3413G>T (p.Arg1138Leu)

Gene: GRIN2B (glutamate ionotropic receptor NMDA type subunit 2B; minus strand). Cytogenetic location: 12p13.1.
Variant type: single nucleotide variant.
Coding change: c.3413G>T on transcript NM_000834.5 (MANE Select); coding-DNA position 3413, G replaced by T.
Protein change: p.Arg1138Leu; replaces arginine 1138 with leucine.
Molecular consequence: missense variant.
Genome position (GRCh38, 1-based): chr12:13,563,825, C>A on the plus strand (G>T on the coding strand, the complement: GRIN2B is on the minus strand). VCF-style: chr12-13563825-C-A. GRCh37 (hg19) VCF-style: chr12-13716759-C-A.
Other names: short protein forms R1138L.
Identifiers: ClinVar variation 234693 (VCV000234693.12), dbSNP rs187979330, ClinGen allele CA10577437.